The following is an entry in ClinVar:

ClinVar aggregate classification (germline): Likely benign (1 of 4 stars; one submission).

Allele frequency attached by ClinVar (database versions not stated): gnomAD exomes 0.00009 and 0.00014; ExAC 0.00012; gnomAD 0.00012 and 0.00013; TOPMed 0.00014.
gnomAD v4.1: 105 of 765,168 alleles (0.014%); highest among the groups gnomAD compares: Non-Finnish European, 0.023%; no homozygotes.

Submission:

CeGaT Center for Human Genetics Tuebingen
Classification: Likely benign. Last evaluated: 2024-03-01. Review status: criteria provided, single submitter. Criteria: CeGaT Center For Human Genetics Tuebingen Variant Classification Criteria Version 2. Collection method: clinical testing. Allele origin: germline. Affected: yes. Observed: 5 variant alleles.
Comment: GABRB3: BP4, BP7

NC_000015.10:g.26939341T>C

Genes: GABRA5 (gamma-aminobutyric acid type A receptor subunit alpha5; plus strand), GABRB3 (gamma-aminobutyric acid type A receptor subunit beta3; minus strand). Cytogenetic location: 15q12.
Variant type: single nucleotide variant.
Molecular consequence: intron variant (on NM_000810.4).
Genome position: GRCh38 VCF-style: chr15-26939341-T-C. GRCh37 (hg19) VCF-style: chr15-27184488-T-C.
Other names: c.725-584T>C (NM_001165037.2, NM_000810.4).
Identifiers: ClinVar variation 1694735 (VCV001694735.31), dbSNP rs77007127, ClinGen allele CA7437929.
Genomic context (GRCh38, chr15:26,939,341, plus strand): 5'-GTCTCCTCGTGCCTCCCACACAGCCAGGCAAATCCAGAGAAGGCACTGGGGCATCGCCAA[T>C]GAAATGCCCCCGATTTCAAAGAACAGGCGACACCTCTCTGGTAGGTGGCAGAAGGGTTGA-3'